The following is an entry in ClinVar:

ClinVar aggregate classification (germline): Benign. Review status: criteria provided, multiple submitters, no conflicts (2 of 4 stars). 21 submissions from 20 submitters: Benign (19). 2 of the submissions do not count toward it. Last evaluated 2026-03-25.

Conditions:
Polycystic kidney disease, adult type (PKD1). Also called: Polycystic Kidney, Autosomal Dominant; Polycystic Kidney Disease 1, Autosomal Dominant; Polycystic kidney disease 1; Polycystic kidney disease 1, severe; POLYCYSTIC KIDNEY DISEASE 1 WITH OR WITHOUT POLYCYSTIC LIVER DISEASE; POLYCYSTIC KIDNEY DISEASE, ADULT, TYPE I. Identifiers: MedGen C3149841, MONDO:0008263, OMIM 173900.
Tuberous sclerosis syndrome (TSC). Also called: Tuberous Sclerosis Complex; Tuberous sclerosis. Identifiers: Orphanet 805, MedGen C0041341, MONDO:0001734.
Tuberous sclerosis 2 (TSC2). Identifiers: Orphanet 805, MedGen C1860707, MONDO:0013199, OMIM 613254.

Allele frequency attached by ClinVar (database versions not stated): gnomAD exomes 0.00322; ESP Exome Variant Server 0.00015; ExAC 0.00347; 1000 Genomes Project 0.00599; gnomAD 0.00133 and 0.00094; TOPMed 0.00196; 1000 Genomes Project 30x 0.00531.
gnomAD v4.1: 2,282 of 1,613,134 alleles (0.14%); highest among the groups gnomAD compares: East Asian, 4.7%; 50 homozygotes.

Submissions (21):

Dasa
Classification: Benign for Tuberous sclerosis 2. Last evaluated: 2026-03-25. Review status: criteria provided, single submitter. Criteria: DASA Assertion Criteria. Collection method: clinical testing. Allele origin: germline.
Comment: NM_000548.5(TSC2):c.5161-9C>T is a splice-region variant. Population frequency is inconsistent with a disease-causing role for this variant, and observations in unaffected individuals support a benign interpretation. Computational prediction algorithms are consistent with a benign effect. Therefore, based on the currently available evidence, this variant is classified as benign.

Labcorp Genetics (formerly Invitae), Labcorp
Classification: Benign for Tuberous sclerosis 2. Last evaluated: 2026-02-03. Review status: criteria provided, single submitter. Criteria: Invitae Variant Classification Sherloc (09022015). Collection method: clinical testing. Allele origin: germline.

Myriad Genetics, Inc.
Classification: Benign for Tuberous sclerosis 2. Last evaluated: 2025-06-06. Review status: criteria provided, single submitter. Criteria: Myriad Autosomal Dominant, Autosomal Recessive and X-Linked Classification Criteria (2023). Collection method: clinical testing. Allele origin: unknown.
Comment: This variant is considered benign. This variant is intronic and is not expected to impact mRNA splicing. This variant has been observed at a population frequency that is significantly greater than expected given the associated disease prevalence and penetrance.

Mayo Clinic Laboratories, Mayo Clinic
Classification: Benign. Last evaluated: 2025-05-28. Review status: criteria provided, single submitter. Criteria: ACMG Guidelines, 2015. Collection method: clinical testing. Allele origin: germline. Observed: 3 variant alleles.
Comment: BS1, BP4, BP7

KCCC/NGS Laboratory, Kuwait Cancer Control Center
Classification: Benign for Polycystic kidney disease, adult type. Last evaluated: 2025-02-01. Review status: criteria provided, single submitter. Criteria: ACMG Guidelines, 2015. Collection method: clinical testing. Allele origin: germline. Affected: no.

ARUP Laboratories, Molecular Genetics and Genomics, ARUP Laboratories
Classification: Benign. Last evaluated: 2025-01-03. Review status: criteria provided, single submitter. Criteria: ARUP Molecular Germline Variant Investigation Process 2024. Collection method: clinical testing. Allele origin: germline.

Quest Diagnostics Nichols Institute San Juan Capistrano
Classification: Benign. Last evaluated: 2024-12-17. Review status: criteria provided, single submitter. Criteria: Quest Diagnostics criteria. Collection method: clinical testing. Allele origin: unknown.

Department of Pathology and Laboratory Medicine, Sinai Health System
Classification: Benign for Tuberous sclerosis 2. Last evaluated: 2023-10-02. Review status: criteria provided, single submitter. Criteria: ACMG Guidelines, 2015. Collection method: clinical testing. Allele origin: germline. Affected: yes.

Women's Health and Genetics/Laboratory Corporation of America, LabCorp
Classification: Benign. Last evaluated: 2023-09-21. Review status: criteria provided, single submitter. Criteria: LabCorp Variant Classification Summary - May 2015. Collection method: clinical testing. Allele origin: germline.

KCCC/NGS Laboratory, Kuwait Cancer Control Center
Classification: Benign for Tuberous sclerosis 2. Last evaluated: 2023-07-07. Review status: criteria provided, single submitter. Criteria: ACMG Guidelines, 2015. Collection method: clinical testing. Allele origin: germline. Affected: yes.

Color Diagnostics, LLC DBA Color Health
Classification: Benign for Tuberous sclerosis syndrome. Last evaluated: 2022-09-21. Review status: criteria provided, single submitter. Criteria: ACMG Guidelines, 2015. Collection method: clinical testing. Allele origin: germline.

Genome-Nilou Lab
Classification: Benign for Tuberous sclerosis 2. Last evaluated: 2021-11-07. Review status: criteria provided, single submitter. Criteria: ACMG Guidelines, 2015. Collection method: clinical testing. Allele origin: germline. Affected: no.

Genetic Services Laboratory, University of Chicago
Classification: Benign. Last evaluated: 2021-06-20. Review status: criteria provided, single submitter. Criteria: ACMG Guidelines, 2015. Collection method: clinical testing. Allele origin: germline. Affected: no.

Athena Diagnostics
Classification: Benign. Last evaluated: 2020-11-06. Review status: criteria provided, single submitter. Criteria: Athena Diagnostics criteria. Collection method: clinical testing. Allele origin: unknown.

Illumina Laboratory Services, Illumina
Classification: Benign for Tuberous sclerosis syndrome. Last evaluated: 2018-01-12. Review status: criteria provided, single submitter. Criteria: ICSL Variant Classification Criteria 13 December 2019. Collection method: clinical testing. Allele origin: germline.
Comment: This variant was observed in the ICSL laboratory as part of a predisposition screen in an ostensibly healthy population. It had not been previously curated by ICSL or reported in the Human Gene Mutation Database (HGMD: prior to June 1st, 2018), and was therefore a candidate for classification through an automated scoring system. Utilizing variant allele frequency, disease prevalence and penetrance estimates, and inheritance mode, an automated score was calculated to assess if this variant is too frequent to cause the disease. Based on the score and internal cut-off values, a variant classified as benign is not then subjected to further curation. The score for this variant resulted in a classification of benign for this disease.

PreventionGenetics, part of Exact Sciences
Classification: Benign. Last evaluated: 2016-03-07. Review status: criteria provided, single submitter. Criteria: ACMG Guidelines, 2015. Collection method: clinical testing. Allele origin: germline.

GeneDx
Classification: Benign. Last evaluated: 2013-04-02. Review status: criteria provided, single submitter. Criteria: GeneDx Variant Classification (06012015). Collection method: clinical testing. Allele origin: germline. Affected: yes.
Comment: This variant is considered likely benign or benign based on one or more of the following criteria: it is a conservative change, it occurs at a poorly conserved position in the protein, it is predicted to be benign by multiple in silico algorithms, and/or has population frequency not consistent with disease.

Laboratory for Molecular Medicine, Mass General Brigham Personalized Medicine
Classification: Benign. Last evaluated: 2013-02-21. Review status: criteria provided, single submitter. Criteria: LMM Criteria. Collection method: clinical testing. Allele origin: germline. Observed: 1 variant allele.
Comment: 5161-9C>T in intron 40 of TSC2: This variant is not expected to have clinical si gnificance because it has been identified in 4.6% (9/194) of Han Chinese chromos omes from a broad population by the 1000 Genomes Project (h.gov/projects/SNP; dbSNP rs45515893).

Breakthrough Genomics
Classification: Benign. Review status: criteria provided, single submitter. Criteria: ACMG Guidelines, 2015. Collection method: not provided. Allele origin: germline. Inheritance: Autosomal dominant inheritance. Affected: yes.

Clinical Genetics DNA and cytogenetics Diagnostics Lab, Erasmus MC, Erasmus Medical Center
Classification: Benign. Review status: no assertion criteria provided. Collection method: clinical testing. Allele origin: germline. Affected: yes. Study: VKGL Data-share Consensus. Not counted in ClinVar's aggregate classification.

Tuberous sclerosis database (TSC2)
No classification provided. Condition: TSC. Review status: no classification provided. Criteria: Tuberous Sclerosis Database Assertion Criteria 2015. Collection method: curation. Allele origin: germline. Affected: yes and no. Not counted in ClinVar's aggregate classification.

Literature cited by the submitters: PubMed 16981987 (cited by Athena Diagnostics); PubMed 16237225 (cited by Athena Diagnostics); PubMed 29344138 (cited by Athena Diagnostics); PubMed 21510812 (cited by Athena Diagnostics); PubMed 26563443 (cited by Athena Diagnostics).

NM_000548.5(TSC2):c.5161-9C>T

Genes: PKD1 (polycystin 1, transient receptor potential channel interacting; minus strand), TSC2 (TSC complex subunit 2; plus strand). Cytogenetic location: 16p13.3.
Variant type: single nucleotide variant.
Coding change: c.5161-9C>T on transcript NM_000548.5 (MANE Select); 9 bases into the intron before coding-DNA position 5161, C replaced by T.
Molecular consequence: intron variant.
Genome position (GRCh38, 1-based): chr16:2,088,218, C>T. VCF-style: chr16-2088218-C-T. GRCh37 (hg19) VCF-style: chr16-2138219-C-T.
Other names: p.?; c.5092-9C>T (NM_001114382.3); c.5032-9C>T (NM_021055.3); c.5032-21C>T (NM_001370405.1); c.4963-9C>T (NM_001363528.2); c.5029-9C>T (NM_001370404.1); c.4960-9C>T (NM_001077183.3); c.4852-9C>T (NM_001318827.2); and 4 more.
Identifiers: ClinVar variation 49854 (VCV000049854.42), dbSNP rs45515893, ClinGen allele CA022036.